The following is an entry in ClinVar:

ClinVar aggregate classification (germline): Conflicting classifications of pathogenicity. Review status: criteria provided, conflicting classifications (1 of 4 stars). 3 submissions from 3 submitters: Uncertain significance (1); Benign (1); Likely benign (1). Last evaluated 2025-08-04.

Conditions:
Primary ciliary dyskinesia 7. Also called: CILIARY DYSKINESIA, PRIMARY, 7, WITH OR WITHOUT SITUS INVERSUS. Identifiers: Orphanet 244, MedGen C2678473, MONDO:0012748, OMIM 611884.
Primary ciliary dyskinesia. Also called: Ciliary dyskinesia. Identifiers: Orphanet 244, MedGen C0008780, MONDO:0016575, HP:0012265.

Allele frequency attached by ClinVar (database versions not stated): gnomAD 0.00002; TOPMed 0.00002.
gnomAD v4.1: 28 of 1,612,576 alleles (0.0017%); highest among the groups gnomAD compares: African/African-American, 0.0053%; no homozygotes.

Submissions (3):

Ambry Genetics
Classification: Likely benign for Primary ciliary dyskinesia. Last evaluated: 2025-08-04. Review status: criteria provided, single submitter. Criteria: Ambry Variant Classification Scheme 2023. Collection method: clinical testing. Allele origin: germline.

ARUP Laboratories, Molecular Genetics and Genomics, ARUP Laboratories
Classification: Uncertain significance for Primary ciliary dyskinesia 7. Last evaluated: 2025-02-14. Review status: criteria provided, single submitter. Criteria: ARUP Molecular Germline Variant Investigation Process 2024. Collection method: clinical testing. Allele origin: germline.
Comment: The DNAH11 c.10393A>G; p.Ile3465Val variant (rs990403391), to our knowledge, is not reported in the medical literature but is reported in ClinVar (Variation ID: 3014855). This variant is only observed on one allele in the Genome Aggregation Database (v2.1.1), indicating it is not a common polymorphism. Computational analyses predict that this variant is neutral (REVEL: 0.054). Due to limited information, the clinical significance of this variant is uncertain at this time.

Labcorp Genetics (formerly Invitae), Labcorp
Classification: Benign for Primary ciliary dyskinesia. Last evaluated: 2023-04-12. Review status: criteria provided, single submitter. Criteria: Invitae Variant Classification Sherloc (09022015). Collection method: clinical testing. Allele origin: germline.

NM_001277115.2(DNAH11):c.10393A>G (p.Ile3465Val)

Gene: DNAH11 (dynein axonemal heavy chain 11; plus strand). Cytogenetic location: 7p15.3.
Variant type: single nucleotide variant.
Coding change: c.10393A>G on transcript NM_001277115.2 (MANE Select); coding-DNA position 10393, A replaced by G.
Protein change: p.Ile3465Val; replaces isoleucine 3465 with valine.
Molecular consequence: missense variant.
Genome position (GRCh38, 1-based): chr7:21,816,527, A>G. VCF-style: chr7-21816527-A-G. GRCh37 (hg19) VCF-style: chr7-21856145-A-G.
Other names: c.10393A>G (NM_001277115.1); c.10414A>G, p.Ile3472Val (NM_003777.3); short protein forms I3465V, I3472V.
Identifiers: ClinVar variation 3014855 (VCV003014855.6), dbSNP rs990403391, ClinGen allele CA155122122.